The following is an entry in ClinVar:

ClinVar aggregate classification (germline): Uncertain significance. Review status: criteria provided, multiple submitters, no conflicts (2 of 4 stars). 2 submissions from 2 submitters: Uncertain significance (2). Last evaluated 2026-03-20.

Conditions:
Netherton syndrome (NETH). Also called: ERYTHRODERMA, ICHTHYOSIFORM, WITH HYPOTRICHOSIS AND HYPER-IgE; COMEL-NETHERTON SYNDROME; NETHERTON DISEASE. Identifiers: Orphanet 634, MedGen C5574950, MONDO:0009735, OMIM 256500.

Allele frequency attached by ClinVar (database versions not stated): TOPMed below 0.00001; ExAC 0.00002.
gnomAD v4.1: 6 of 1,610,788 alleles (0.00037%); highest among the groups gnomAD compares: Non-Finnish European, 0.00051%; no homozygotes.

Submissions (2):

Women's Health and Genetics/Laboratory Corporation of America, LabCorp
Classification: Uncertain significance. Last evaluated: 2026-03-20. Review status: criteria provided, single submitter. Criteria: LabCorp Variant Classification Summary - May 2015. Collection method: clinical testing. Allele origin: germline.
Comment: Variant summary: SPINK5 c.666G>T (p.Lys222Asn) results in a non-conservative amino acid change in the encoded protein sequence. Algorithms developed to predict the effect of missense changes on protein structure and function are either unavailable or do not agree on the potential impact of this missense change. Several computational tools predict a significant impact on normal splicing: Four predict the variant abolishes a 5' splicing donor site. However, these predictions have yet to be confirmed by functional studies. The variant allele was found at a frequency of 8.1e-06 in 246994 control chromosomes (gnomAD). The available data on variant occurrences in the general population are insufficient to allow any conclusion about variant significance. To our knowledge, no occurrence of c.666G>T in individuals affected with SPINK5-related conditions and no experimental evidence demonstrating its impact on protein function have been reported. ClinVar contains an entry for this variant (Variation ID: 947949). Based on the evidence outlined above, the variant was classified as uncertain significance.

Labcorp Genetics (formerly Invitae), Labcorp
Classification: Uncertain significance for Netherton syndrome. Last evaluated: 2019-04-12. Review status: criteria provided, single submitter. Criteria: Invitae Variant Classification Sherloc (09022015). Collection method: clinical testing. Allele origin: germline.
Comment: This sequence change replaces lysine with asparagine at codon 222 of the SPINK5 protein (p.Lys222Asn). The lysine residue is moderately conserved and there is a moderate physicochemical difference between lysine and asparagine. This variant also falls at the last nucleotide of exon 8 of the SPINK5 coding sequence, which is part of the consensus splice site for this exon. This variant is present in population databases (rs769098540, ExAC 0.003%). This variant has not been reported in the literature in individuals with SPINK5-related conditions. Algorithms developed to predict the effect of missense changes on protein structure and function (SIFT, PolyPhen-2, Align-GVGD) all suggest that this variant is likely to be tolerated, but these predictions have not been confirmed by published functional studies and their clinical significance is uncertain. Nucleotide substitutions within the consensus splice site are a relatively common cause of aberrant splicing (PMID: 17576681, 9536098). Algorithms developed to predict the effect of sequence changes on RNA splicing suggest that this variant may disrupt the consensus splice site, but this prediction has not been confirmed by published transcriptional studies. In summary, the available evidence is currently insufficient to determine the role of this variant in disease. Therefore, it has been classified as a Variant of Uncertain Significance.

NM_006846.4(SPINK5):c.666G>T (p.Lys222Asn)

Gene: SPINK5 (serine peptidase inhibitor Kazal type 5; plus strand). Cytogenetic location: 5q32.
Variant type: single nucleotide variant.
Coding change: c.666G>T on transcript NM_006846.4 (MANE Select); coding-DNA position 666, G replaced by T.
Protein change: p.Lys222Asn; replaces lysine 222 with asparagine.
Molecular consequence: missense variant.
Genome position (GRCh38, 1-based): chr5:148,091,228, G>T. VCF-style: chr5-148091228-G-T. GRCh37 (hg19) VCF-style: chr5-147470791-G-T.
Other names: c.666G>T, p.Lys222Asn (NM_001127698.2, NM_001127699.2); short protein forms K222N.
Identifiers: ClinVar variation 947949 (VCV000947949.2), dbSNP rs769098540, ClinGen allele CA3495302.